The following is an entry in ClinVar:

NM_001164508.2(NEB):c.8425del (p.Arg2809fs)

Gene: NEB (nebulin; minus strand). Cytogenetic location: 2q23.3.
Variant type: Deletion.
Coding change: c.8425del on transcript NM_001164508.2 (MANE Select); coding-DNA position 8425, one base deleted (C; older notation c.8425delC).
Protein change: p.Arg2809fs; shifts the reading frame from arginine 2809.
Molecular consequence: frameshift variant.
Genome position (GRCh38, 1-based): chr2:151,640,615, G deleted on the plus strand (C on the coding strand, the reverse complement: NEB is on the minus strand); the first of 3 consecutive G bases (chr2:151,640,615-151,640,617); deleting any one gives the same sequence. VCF-style (leftmost placement, unchanged base first): chr2-151640614-CG-C. GRCh37 (hg19) VCF-style: chr2-152497128-CG-C.
Other names: c.8425del, p.Arg2809fs (NM_001164507.2, NM_001271208.2, NM_004543.5); short protein forms R2809fs.
Identifiers: ClinVar variation 644459 (VCV000644459.8), dbSNP rs1574820458, ClinGen allele CA915942854.
Genomic context (GRCh38, chr2:151,640,614, plus strand): 5'-TCACTCTGGATCTTGGCCACGTGCATGGACCACATCATCTTGGGGTCATCACGTATAGCT[CG>C]GGCACCAATGTGGTGGCCGAGCTGCTTACGATAGCCTTCTTTGTACTTGAACTAAAAGAA-3'

ClinVar aggregate classification (germline): Pathogenic (1 of 4 stars; one submission).

Conditions:
Nemaline myopathy 2 (NEM2). Also called: Nemaline myopathy 2, autosomal recessive. Identifiers: MedGen C1850569, MONDO:0009725, OMIM 256030.

Submission:

Labcorp Genetics (formerly Invitae), Labcorp
Classification: Pathogenic for Nemaline myopathy 2. Last evaluated: 2019-04-30. Review status: criteria provided, single submitter. Criteria: Invitae Variant Classification Sherloc (09022015). Collection method: clinical testing. Allele origin: germline.
Comment: This sequence change creates a premature translational stop signal (p.Arg2809Glufs*9) in the NEB gene. It is expected to result in an absent or disrupted protein product. This variant is not present in population databases (ExAC no frequency). This variant has not been reported in the literature in individuals with NEB-related disease. Loss-of-function variants in NEB are known to be pathogenic (PMID: 25205138). For these reasons, this variant has been classified as Pathogenic.

Literature cited by the submitters: PubMed 25205138.